The following is an entry in ClinVar:

NM_001148.6(ANK2):c.464A>C (p.Asn155Thr)

Gene: ANK2 (ankyrin 2; plus strand). Cytogenetic location: 4q26.
Variant type: single nucleotide variant.
Coding change: c.464A>C on transcript NM_001148.6 (MANE Select); coding-DNA position 464, A replaced by C.
Protein change: p.Asn155Thr; replaces asparagine 155 with threonine.
Molecular consequence: missense variant.
Genome position (GRCh38, 1-based): chr4:113,232,240, A>C. VCF-style: chr4-113232240-A-C. GRCh37 (hg19) VCF-style: chr4-114153396-A-C.
Other names: c.401A>C, p.Asn134Thr (NM_001127493.3, NM_001354239.2, NM_001354243.2 and 33 more transcripts); c.464A>C, p.Asn155Thr (NM_001354225.2, NM_001354228.2, NM_001354232.2 and 9 more transcripts); c.509A>C, p.Asn170Thr (NM_001354230.2, NM_001354231.2, NM_001354237.2 and 5 more transcripts); c.446A>C, p.Asn149Thr (NM_001354261.2, NM_001386147.1, NM_001386160.1); c.452A>C, p.Asn151Thr (NM_001354269.3, NM_001386148.2, NM_001386186.2 and 1 more transcripts); c.515A>C, p.Asn172Thr (NM_001386174.1, NM_001386175.1); short protein forms N149T, N151T, N134T, N155T, N170T, N172T.
Identifiers: ClinVar variation 901155 (VCV000901155.10), dbSNP rs377660236, ClinGen allele CA103793501.
Genomic context (GRCh38, chr4:113,232,240, plus strand): 5'-ACATGGCTGCCCAAGAGAATCACATTGATGTTGTAAAATATTTGCTGGAAAATGGAGCTA[A>C]TCAGAGCACTGCTACAGAGGTAAGACTGTCAGCCCTAAAGCCTTGAATTCTTTGATCTTA-3'
Protein context (NP_001139.3, residues 145-165): VVKYLLENGA[Asn155Thr]QSTATEDGFT

ClinVar aggregate classification (germline): Uncertain significance. Review status: criteria provided, multiple submitters, no conflicts (2 of 4 stars). 3 submissions from 3 submitters: Uncertain significance (3). Last evaluated 2025-12-01.

Conditions:
Cardiovascular phenotype. Identifiers: MedGen CN230736.
Cardiac arrhythmia, ankyrin-B-related. Also called: ANKYRIN-B SYNDROME. Identifiers: Orphanet 101016, Orphanet 768, MedGen C1970119, MONDO:0010958, OMIM 600919.
Long QT syndrome (LQTS). Identifiers: MedGen C0023976, MeSH D008133, MONDO:0002442. Disease mechanism: loss of function. Inheritance: Various modes of inheritance.

Allele frequency attached by ClinVar (database versions not stated): gnomAD 0.00001; TOPMed 0.00001; ESP Exome Variant Server 0.00008.
gnomAD v4.1: 1 of 1,593,008 alleles (0.000063%); highest among the groups gnomAD compares: Non-Finnish European, 0.000086%; no homozygotes.

Submissions (3):

Ambry Genetics
Classification: Uncertain significance for Cardiovascular phenotype. Last evaluated: 2025-12-01. Review status: criteria provided, single submitter. Criteria: Ambry Variant Classification Scheme 2023. Collection method: clinical testing. Allele origin: germline.
Comment: The p.N155T variant (also known as c.464A>C), located in coding exon 5 of the ANK2 gene, results from an A to C substitution at nucleotide position 464. The asparagine at codon 155 is replaced by threonine, an amino acid with similar properties. This amino acid position is conserved. In addition, the in silico prediction for this alteration is inconclusive. Based on the available evidence, the clinical significance of this variant remains unclear.

Labcorp Genetics (formerly Invitae), Labcorp
Classification: Uncertain significance for Long QT syndrome. Last evaluated: 2022-09-12. Review status: criteria provided, single submitter. Criteria: Invitae Variant Classification Sherloc (09022015). Collection method: clinical testing. Allele origin: germline.
Comment: In summary, the available evidence is currently insufficient to determine the role of this variant in disease. Therefore, it has been classified as a Variant of Uncertain Significance. Advanced modeling of protein sequence and biophysical properties (such as structural, functional, and spatial information, amino acid conservation, physicochemical variation, residue mobility, and thermodynamic stability) performed at Invitae indicates that this missense variant is not expected to disrupt ANK2 protein function. ClinVar contains an entry for this variant (Variation ID: 901155). This variant has not been reported in the literature in individuals affected with ANK2-related conditions. This variant is not present in population databases (gnomAD no frequency). This sequence change replaces asparagine, which is neutral and polar, with threonine, which is neutral and polar, at codon 155 of the ANK2 protein (p.Asn155Thr).

Illumina Laboratory Services, Illumina
Classification: Uncertain significance for Cardiac arrhythmia, ankyrin-B-related. Last evaluated: 2018-01-12. Review status: criteria provided, single submitter. Criteria: ICSL Variant Classification Criteria 13 December 2019. Collection method: clinical testing. Allele origin: germline.